The following is an entry in ClinVar:

NM_025114.4(CEP290):c.2218A>T (p.Ile740Leu)

Gene: CEP290 (centrosomal protein 290; minus strand). Cytogenetic location: 12q21.32.
Variant type: single nucleotide variant.
Coding change: c.2218A>T on transcript NM_025114.4 (MANE Select); coding-DNA position 2218, A replaced by T.
Protein change: p.Ile740Leu; replaces isoleucine 740 with leucine.
Molecular consequence: missense variant.
Genome position (GRCh38, 1-based): chr12:88,111,351, T>A on the plus strand (A>T on the coding strand, the complement: CEP290 is on the minus strand). VCF-style: chr12-88111351-T-A. GRCh37 (hg19) VCF-style: chr12-88505128-T-A.
Other names: short protein forms I740L.
Identifiers: ClinVar variation 1058735 (VCV001058735.9), dbSNP rs754736974, ClinGen allele CA385974754.

ClinVar aggregate classification (germline): Uncertain significance (1 of 4 stars; one submission).

Conditions:
Joubert syndrome. Also called: Familial aplasia of the vermis; CEREBELLOPARENCHYMAL DISORDER IV; JOUBERT-BOLTSHAUSER SYNDROME. Identifiers: Orphanet 475, MedGen C5979921, MONDO:0018772.
Meckel-Gruber syndrome. Also called: Dysencephalia splachnocystica; DYSENCEPHALIA SPLANCHNOCYSTICA; GRUBER SYNDROME. Identifiers: Orphanet 564, MedGen C0265215, MONDO:0018921.
Nephronophthisis. Also called: Juvenile Nephronophthisis. Identifiers: Orphanet 655, MedGen C0687120, MONDO:0019005, HP:0000090.

gnomAD v4.1: 11 of 1,562,192 alleles (0.0007%); highest among the groups gnomAD compares: Non-Finnish European, 0.00095%; no homozygotes.

Submission:

Labcorp Genetics (formerly Invitae), Labcorp
Classification: Uncertain significance for Joubert syndrome; Meckel-Gruber syndrome; Nephronophthisis. Last evaluated: 2022-10-13. Review status: criteria provided, single submitter. Criteria: Invitae Variant Classification Sherloc (09022015). Collection method: clinical testing. Allele origin: germline.
Comment: In summary, the available evidence is currently insufficient to determine the role of this variant in disease. Therefore, it has been classified as a Variant of Uncertain Significance. This variant has not been reported in the literature in individuals affected with CEP290-related conditions. This variant is not present in population databases (gnomAD no frequency). This sequence change replaces isoleucine, which is neutral and non-polar, with leucine, which is neutral and non-polar, at codon 740 of the CEP290 protein (p.Ile740Leu). Algorithms developed to predict the effect of sequence changes on RNA splicing suggest that this variant may disrupt the consensus splice site. Algorithms developed to predict the effect of missense changes on protein structure and function (SIFT, PolyPhen-2, Align-GVGD) all suggest that this variant is likely to be tolerated. ClinVar contains an entry for this variant (Variation ID: 1058735).